The following is an entry in ClinVar:

NM_001005373.4(LRSAM1):c.72+4A>C

Gene: LRSAM1 (leucine rich repeat and sterile alpha motif containing 1; plus strand). Cytogenetic location: 9q33.3.
Variant type: single nucleotide variant.
Coding change: c.72+4A>C on transcript NM_001005373.4 (MANE Select); 4 bases into the intron after coding-DNA position 72, A replaced by C.
Molecular consequence: intron variant.
Genome position (GRCh38, 1-based): chr9:127,454,603, A>C. VCF-style: chr9-127454603-A-C. GRCh37 (hg19) VCF-style: chr9-130216882-A-C.
Other names: NC_000009.11:g.130216882A>C; c.72+4A>C (NM_138361.5, NM_001384142.1, NM_001384143.1 and 2 more transcripts); c.-713+4A>C (NM_001384144.1).
Identifiers: ClinVar variation 4352005 (VCV004352005.2).

ClinVar aggregate classification (germline): Uncertain significance (1 of 4 stars; one submission).

Conditions:
LRSAM1-related disorder. Also called: LRSAM1-related condition.

gnomAD v4.1: 5 of 1,613,676 alleles (0.00031%); highest among the groups gnomAD compares: Non-Finnish European, 0.00042%; no homozygotes.

Submissions (2):

PreventionGenetics, part of Exact Sciences
Classification: Uncertain significance for LRSAM1-related condition. Last evaluated: 2026-06-25. Review status: criteria provided, single submitter. Criteria: ACMG Guidelines, 2015. Collection method: clinical testing. Allele origin: germline.
Comment: The LRSAM1 c.72+4A>C variant is predicted to interfere with splicing. This variant is predicted to impact splicing based on a splicing prediction program (SpliceAI, Jaganathan K, et al. 2019. PubMed ID: 30661751). To our knowledge, this variant has not been reported in the literature. This variant is reported in 0.00088% of alleles in individuals of European (Non-Finnish) descent in gnomAD. At this time, the clinical significance of this variant is uncertain due to the absence of conclusive functional and genetic evidence.

Dr. Peter K. Rogan Lab, Western University
No classification provided (evidence only). Condition: Clear cell carcinoma of kidney. Review status: no classification provided. Collection method: in vitro. Allele origin: not applicable. Functional consequence: skipped exon, retained intron. Not counted in ClinVar's aggregate classification.